The following is an entry in ClinVar:

ClinVar aggregate classification (germline): Conflicting classifications of pathogenicity. Review status: criteria provided, conflicting classifications (1 of 4 stars). 5 submissions from 5 submitters: Uncertain significance (4); Likely benign (1). Last evaluated 2025-02-10.

Conditions:
Cutis laxa, autosomal recessive, type 1B (ARCL1B). Also called: EFEMP2-Related Cutis Laxa; CUTIS LAXA, AUTOSOMAL RECESSIVE, TYPE IB. Identifiers: Orphanet 90349, MedGen C3280798, MONDO:0013754, OMIM 614437. Disease mechanism: loss of function.
Cardiovascular phenotype. Identifiers: MedGen CN230736.

Allele frequency attached by ClinVar (database versions not stated): gnomAD exomes 0.00003 and 0.00013; gnomAD 0.00005; ExAC 0.00007; TOPMed 0.00008; 1000 Genomes Project 30x 0.00016; 1000 Genomes Project 0.00020.
gnomAD v4.1: 48 of 1,613,910 alleles (0.003%); highest among the groups gnomAD compares: East Asian, 0.1%; no homozygotes.

Submissions (5):

GeneDx
Classification: Uncertain significance. Last evaluated: 2025-02-10. Review status: criteria provided, single submitter. Criteria: GeneDx Variant Classification Process June 2021. Collection method: clinical testing. Allele origin: germline. Affected: yes.
Comment: In silico analysis supports that this missense variant has a deleterious effect on protein structure/function; Reported in published literature in families with aortic dissection or HCM, who harbored variants in other genes related to their respective phenotype (PMID: 33083483, 34558151); This variant is associated with the following publications: (PMID: 33083483, 34558151, 24470074)

Blueprint Genetics
Classification: Uncertain significance. Last evaluated: 2024-02-01. Review status: criteria provided, single submitter. Criteria: ACMG Guidelines, 2015. Collection method: clinical testing. Allele origin: germline.

Ambry Genetics
Classification: Likely benign for Cardiovascular phenotype. Last evaluated: 2023-07-03. Review status: criteria provided, single submitter. Criteria: Ambry Variant Classification Scheme 2023. Collection method: clinical testing. Allele origin: germline.

Labcorp Genetics (formerly Invitae), Labcorp
Classification: Uncertain significance for Cutis laxa, autosomal recessive, type 1B. Last evaluated: 2022-07-26. Review status: criteria provided, single submitter. Criteria: Invitae Variant Classification Sherloc (09022015). Collection method: clinical testing. Allele origin: germline.
Comment: This sequence change replaces histidine, which is basic and polar, with tyrosine, which is neutral and polar, at codon 292 of the EFEMP2 protein (p.His292Tyr). This variant is present in population databases (rs532989312, gnomAD 0.2%). This variant has not been reported in the literature in individuals affected with EFEMP2-related conditions. This variant is also known as rs532989312. ClinVar contains an entry for this variant (Variation ID: 879337). Algorithms developed to predict the effect of missense changes on protein structure and function (SIFT, PolyPhen-2, Align-GVGD) all suggest that this variant is likely to be disruptive. In summary, the available evidence is currently insufficient to determine the role of this variant in disease. Therefore, it has been classified as a Variant of Uncertain Significance.

Illumina Laboratory Services, Illumina
Classification: Uncertain significance for Cutis laxa, autosomal recessive, type 1B. Last evaluated: 2017-04-28. Review status: criteria provided, single submitter. Criteria: ICSL Variant Classification Criteria 13 December 2019. Collection method: clinical testing. Allele origin: germline.

NM_016938.5(EFEMP2):c.874C>T (p.His292Tyr)

Gene: EFEMP2 (EGF-like fibulin extracellular matrix protein 2; minus strand). Cytogenetic location: 11q13.1.
Variant type: single nucleotide variant.
Coding change: c.874C>T on transcript NM_016938.5 (MANE Select); coding-DNA position 874, C replaced by T.
Protein change: p.His292Tyr; replaces histidine 292 with tyrosine.
Molecular consequence: missense variant. On other transcripts: non-coding transcript variant (1).
Genome position (GRCh38, 1-based): chr11:65,868,395, G>A on the plus strand (C>T on the coding strand, the complement: EFEMP2 is on the minus strand). VCF-style: chr11-65868395-G-A. GRCh37 (hg19) VCF-style: chr11-65635866-G-A.
Other names: short protein forms H292Y.
Identifiers: ClinVar variation 879337 (VCV000879337.11), dbSNP rs532989312, ClinGen allele CA6110493.